The following is an entry in ClinVar:

NC_000001.10:g.(?_235850229)_(235872628_?)del

Gene: LYST (lysosomal trafficking regulator; minus strand). Cytogenetic location: 1q42.3.
Variant type: Deletion.
Identifiers: ClinVar variation 3247623 (VCV003247623.1).

ClinVar aggregate classification (germline): Pathogenic (1 of 4 stars; one submission).

Conditions:
Chédiak-Higashi syndrome (CHS). Also called: Chediak-Higashi Syndrome. Identifiers: Orphanet 167, MedGen C0007965, MONDO:0008963, OMIM 214500.

Submission:

Labcorp Genetics (formerly Invitae), Labcorp
Classification: Pathogenic for Chédiak-Higashi syndrome. Last evaluated: 2023-08-24. Review status: criteria provided, single submitter. Criteria: Invitae Variant Classification Sherloc (09022015). Collection method: clinical testing. Allele origin: unknown.
Comment: This variant is a gross deletion of the genomic region encompassing exon(s) 44-48 of the LYST gene. This deletion is out-of-frame, and is expected to create a premature termination codon and result in an absent or disrupted protein product. Loss-of-function variants in LYST are known to be pathogenic (PMID: 9215679, 11857544). This variant has not been reported in the literature in individuals affected with LYST-related conditions. For these reasons, this variant has been classified as Pathogenic.

Literature cited by the submitters: PubMed 9215679; PubMed 11857544.